The following is an entry in ClinVar:

ClinVar aggregate classification (germline): Conflicting classifications of pathogenicity. Review status: criteria provided, conflicting classifications (1 of 4 stars). 6 submissions from 6 submitters: Uncertain significance (5); Benign (1). Last evaluated 2025-12-08.

Conditions:
Retinoblastoma (RB1). Also called: RETINOBLASTOMA, SOMATIC. Identifiers: Orphanet 790, MedGen C0035335, MeSH D012175, MONDO:0008380, OMIM 180200, HP:0009919. Disease mechanism: loss of function. Inheritance: Both sporadic and heritable forms are tested..
Hereditary cancer-predisposing syndrome. Also called: Hereditary Cancer Syndrome; Tumor predisposition; Hereditary neoplastic syndrome; Neoplastic Syndromes, Hereditary. Identifiers: Orphanet 140162, MedGen C0027672, MeSH D009386, MONDO:0015356.
Malignant tumor of urinary bladder. Also called: Urinary Bladder Neoplasms; Bladder cancer; Urinary bladder cancer. Identifiers: MedGen C0005684, MONDO:0001187, OMIM 109800.

Allele frequency attached by ClinVar (database versions not stated): gnomAD 0.00001; gnomAD exomes 0.00001; TOPMed 0.00001.
gnomAD v4.1: 21 of 1,497,046 alleles (0.0014%); highest among the groups gnomAD compares: Non-Finnish European, 0.0019%; no homozygotes.

Submissions (6):

Labcorp Genetics (formerly Invitae), Labcorp
Classification: Benign for Retinoblastoma. Last evaluated: 2025-12-08. Review status: criteria provided, single submitter. Criteria: Invitae Variant Classification Sherloc (09022015). Collection method: clinical testing. Allele origin: germline.

Ambry Genetics
Classification: Uncertain significance for Hereditary cancer-predisposing syndrome. Last evaluated: 2024-12-15. Review status: criteria provided, single submitter. Criteria: Ambry Variant Classification Scheme 2023. Collection method: clinical testing. Allele origin: germline.
Comment: The p.E30A variant (also known as c.89A>C), located in coding exon 1 of the RB1 gene, results from an A to C substitution at nucleotide position 89. The glutamic acid at codon 30 is replaced by alanine, an amino acid with dissimilar properties. This amino acid position is well conserved in available vertebrate species. In addition, the in silico prediction for this alteration is inconclusive. Since supporting evidence is limited at this time, the clinical significance of this alteration remains unclear.

GeneDx
Classification: Uncertain significance. Last evaluated: 2024-08-26. Review status: criteria provided, single submitter. Criteria: GeneDx Variant Classification Process June 2021. Collection method: clinical testing. Allele origin: germline. Affected: yes.
Comment: Not observed at significant frequency in large population cohorts (gnomAD); In silico analysis indicates that this missense variant does not alter protein structure/function; Has not been previously published as pathogenic or benign to our knowledge; This variant is associated with the following publications: (PMID: 23516486)

Color Diagnostics, LLC DBA Color Health
Classification: Uncertain significance for Retinoblastoma. Last evaluated: 2024-03-06. Review status: criteria provided, single submitter. Criteria: ACMG Guidelines, 2015. Collection method: clinical testing. Allele origin: germline.
Comment: This missense variant replaces glutamic acid with alanine at codon 30 of the RB1 protein. Computational prediction suggests that this variant may not impact protein structure and function (internally defined REVEL score threshold <= 0.5, PMID: 27666373). To our knowledge, functional studies have not been reported for this variant. This variant has not been reported in individuals affected with hereditary cancer in the literature. This variant has been identified in 1/92968 chromosomes in the general population by the Genome Aggregation Database (gnomAD). The available evidence is insufficient to determine the role of this variant in disease conclusively. Therefore, this variant is classified as a Variant of Uncertain Significance.

All of Us Research Program, National Institutes of Health
Classification: Uncertain significance for Retinoblastoma. Last evaluated: 2024-02-05. Review status: criteria provided, single submitter. Criteria: ACMG Guidelines, 2015. Collection method: clinical testing. Allele origin: germline. Inheritance: Autosomal dominant inheritance. Observed: 8 variant alleles, 8 heterozygotes.
Comment: This missense variant replaces glutamic acid with alanine at codon 30 of the RB1 protein. Computational prediction suggests that this variant may not impact protein structure and function (internally defined REVEL score threshold <= 0.5, PMID: 27666373). To our knowledge, functional studies have not been reported for this variant. This variant has not been reported in individuals affected with hereditary cancer in the literature. This variant has been identified in 1/92968 chromosomes in the general population by the Genome Aggregation Database (gnomAD). The available evidence is insufficient to determine the role of this variant in disease conclusively. Therefore, this variant is classified as a Variant of Uncertain Significance.

This study involves interpretation of variants in research participants for the purpose of population health screening. Participant phenotype was not available at the time of variant classification. Additional details can be found in publication PMID: 35346344, PMCID: PMC8962531

Baylor Genetics
Classification: Uncertain significance for Malignant tumor of urinary bladder. Last evaluated: 2023-09-29. Review status: criteria provided, single submitter. Criteria: ACMG Guidelines, 2015. Collection method: clinical testing. Allele origin: unknown.

NM_000321.3(RB1):c.89A>C (p.Glu30Ala)

Gene: RB1 (RB transcriptional corepressor 1; plus strand). Cytogenetic location: 13q14.2.
Variant type: single nucleotide variant.
Coding change: c.89A>C on transcript NM_000321.3 (MANE Select); coding-DNA position 89, A replaced by C.
Protein change: p.Glu30Ala; replaces glutamic acid 30 with alanine.
Molecular consequence: missense variant.
Genome position (GRCh38, 1-based): chr13:48,304,001, A>C. VCF-style: chr13-48304001-A-C. GRCh37 (hg19) VCF-style: chr13-48878137-A-C.
Other names: short protein forms E30A.
Identifiers: ClinVar variation 645423 (VCV000645423.20), dbSNP rs1482284498, ClinGen allele CA388250297.